The following is an entry in ClinVar:

NM_018451.5(CPAP):c.2746_2747del (p.Glu916fs)

Gene: CPAP (centrosome assembly and centriole elongation protein; minus strand). Cytogenetic location: 13q12.13.
Variant type: Deletion.
Coding change: c.2746_2747del on transcript NM_018451.5 (MANE Select); coding-DNA positions 2746 to 2747, 2 bases deleted (GA; older notation c.2746_2747delGA).
Protein change: p.Glu916fs; shifts the reading frame from glutamic acid 916.
Molecular consequence: frameshift variant. On other transcripts: non-coding transcript variant (2).
Genome position (GRCh38, 1-based): chr13:24,904,004-24,904,005, TC deleted on the plus strand (GA on the coding strand, the reverse complement: CPAP is on the minus strand); deleting any 2 consecutive bases within chr13:24,904,004-24,904,006 gives the same sequence; the c. name uses the placement nearest the transcript's 3' end. VCF-style (leftmost placement, unchanged base first): chr13-24904003-TTC-T. GRCh37 (hg19) VCF-style: chr13-25478141-TTC-T.
Other names: short protein forms E916fs.
Identifiers: ClinVar variation 3009434 (VCV003009434.3), dbSNP rs764863211, ClinGen allele CA6919527.

ClinVar aggregate classification (germline): Pathogenic (1 of 4 stars; one submission).

Submission:

Labcorp Genetics (formerly Invitae), Labcorp
Classification: Pathogenic. Last evaluated: 2023-11-25. Review status: criteria provided, single submitter. Criteria: Invitae Variant Classification Sherloc (09022015). Collection method: clinical testing. Allele origin: germline.
Comment: This sequence change creates a premature translational stop signal (p.Glu916Asnfs*5) in the CENPJ gene. It is expected to result in an absent or disrupted protein product. Loss-of-function variants in CENPJ are known to be pathogenic (PMID: 15793586, 16900296, 20522431). This variant is present in population databases (rs764863211, gnomAD 0.0009%). This variant has not been reported in the literature in individuals affected with CENPJ-related conditions. Algorithms developed to predict the effect of sequence changes on RNA splicing suggest that this variant may disrupt the consensus splice site. For these reasons, this variant has been classified as Pathogenic.

Literature cited by the submitters: PubMed 15793586; PubMed 16900296; PubMed 20522431.